The following is an entry in ClinVar:

ClinVar aggregate classification (germline): Conflicting classifications of pathogenicity. Review status: criteria provided, conflicting classifications (1 of 4 stars). 3 submissions from 3 submitters: Uncertain significance (1); Benign (1); Likely benign (1). Last evaluated 2024-04-17.

Conditions:
ATRX-related disorder. Also called: ATRX-related condition.
Inborn genetic diseases. Identifiers: MedGen C0950123, MeSH D030342.
Alpha thalassemia-X-linked intellectual disability syndrome (ATRX). Also called: X-linked alpha-thalassemia-mental retardation syndrome; ALPHA-THALASSEMIA/IMPAIRED INTELLECTUAL DEVELOPMENT SYNDROME, X-LINKED; ALPHA-THALASSEMIA/MENTAL RETARDATION SYNDROME, X-LINKED; ATR, NONDELETION TYPE; ATR-X syndrome; Alpha thalassemia mental retardation syndrome, nondeletion type, X-linked. Identifiers: Orphanet 847, MedGen C1845055, MONDO:0010519, OMIM 301040.

Allele frequency attached by ClinVar (database versions not stated): ExAC 0.00007; gnomAD 0.00001; gnomAD exomes 0.00003 and 0.00004.
gnomAD v4.1: 32 of 1,207,496 alleles (0.0027%); highest among the groups gnomAD compares: South Asian, 0.053%; 1 homozygote.

Submissions (3):

Labcorp Genetics (formerly Invitae), Labcorp
Classification: Benign for Alpha thalassemia-X-linked intellectual disability syndrome. Last evaluated: 2024-04-17. Review status: criteria provided, single submitter. Criteria: Invitae Variant Classification Sherloc (09022015). Collection method: clinical testing. Allele origin: germline.

Ambry Genetics
Classification: Likely benign for Inborn genetic diseases. Last evaluated: 2023-09-20. Review status: criteria provided, single submitter. Criteria: Ambry Variant Classification Scheme 2023. Collection method: clinical testing. Allele origin: germline.

PreventionGenetics, part of Exact Sciences
Classification: Uncertain significance for ATRX-related condition. Last evaluated: 2022-12-29. Review status: criteria provided, single submitter. Criteria: ACMG Guidelines, 2015. Collection method: clinical testing. Allele origin: germline.
Comment: The ATRX c.2573A>G variant is predicted to result in the amino acid substitution p.Lys858Arg. To our knowledge, this variant has not been reported in the literature. This variant is reported in 0.042% of alleles in individuals of South Asian descent in gnomAD. Although we suspect that this variant may be benign, at this time, the clinical significance of this variant is uncertain due to the absence of conclusive functional and genetic evidence.

NM_000489.6(ATRX):c.2573A>G (p.Lys858Arg)

Gene: ATRX (ATRX chromatin remodeler; minus strand). Cytogenetic location: Xq21.1.
Variant type: single nucleotide variant.
Coding change: c.2573A>G on transcript NM_000489.6 (MANE Select); coding-DNA position 2573, A replaced by G.
Protein change: p.Lys858Arg; replaces lysine 858 with arginine.
Molecular consequence: missense variant.
Genome position (GRCh38, 1-based): chrX:77,682,683, T>C on the plus strand (A>G on the coding strand, the complement: ATRX is on the minus strand). VCF-style: chrX-77682683-T-C. GRCh37 (hg19) VCF-style: chrX-76938175-T-C.
Other names: c.2459A>G, p.Lys820Arg (NM_138270.5); c.2573A>G (NM_000489.3, NM_000489.4); short protein forms K820R, K858R.
Identifiers: ClinVar variation 1170601 (VCV001170601.11), dbSNP rs782593341, ClinGen allele CA10458065.